The following is an entry in ClinVar:

ClinVar aggregate classification (germline): Uncertain significance. Review status: criteria provided, multiple submitters, no conflicts (2 of 4 stars). 3 submissions from 3 submitters: Uncertain significance (3). Last evaluated 2025-11-11.

Conditions:
Chédiak-Higashi syndrome (CHS). Also called: Chediak-Higashi Syndrome. Identifiers: Orphanet 167, MedGen C0007965, MONDO:0008963, OMIM 214500.
Inborn genetic diseases. Identifiers: MedGen C0950123, MeSH D030342.

Allele frequency attached by ClinVar (database versions not stated): ExAC 0.00001; gnomAD 0.00001; gnomAD exomes 0.00001 and below 0.00001; TOPMed 0.00001; ESP Exome Variant Server 0.00008.
gnomAD v4.1: 24 of 1,613,236 alleles (0.0015%); highest among the groups gnomAD compares: Non-Finnish European, 0.0018%; no homozygotes.

Submissions (3):

Labcorp Genetics (formerly Invitae), Labcorp
Classification: Uncertain significance for Chédiak-Higashi syndrome. Last evaluated: 2025-11-11. Review status: criteria provided, single submitter. Criteria: Invitae Variant Classification Sherloc (09022015). Collection method: clinical testing. Allele origin: germline.
Comment: This sequence change replaces aspartic acid, which is acidic and polar, with glutamic acid, which is acidic and polar, at codon 1666 of the LYST protein (p.Asp1666Glu). This variant is present in population databases (rs377563551, gnomAD 0.0009%). This variant has not been reported in the literature in individuals affected with LYST-related conditions. ClinVar contains an entry for this variant (Variation ID: 1693783). Invitae Evidence Modeling of protein sequence and biophysical properties (such as structural, functional, and spatial information, amino acid conservation, physicochemical variation, residue mobility, and thermodynamic stability) indicates that this missense variant is not expected to disrupt LYST protein function with a negative predictive value of 80%. In summary, the available evidence is currently insufficient to determine the role of this variant in disease. Therefore, it has been classified as a Variant of Uncertain Significance.

Ambry Genetics
Classification: Uncertain significance for Inborn genetic diseases. Last evaluated: 2025-09-01. Review status: criteria provided, single submitter. Criteria: Ambry Variant Classification Scheme 2023. Collection method: clinical testing. Allele origin: germline.

Mayo Clinic Laboratories, Mayo Clinic
Classification: Uncertain significance. Last evaluated: 2021-04-15. Review status: criteria provided, single submitter. Criteria: ACMG Guidelines, 2015. Collection method: clinical testing. Allele origin: germline.

NM_000081.4(LYST):c.4998C>A (p.Asp1666Glu)

Gene: LYST (lysosomal trafficking regulator; minus strand). Cytogenetic location: 1q42.3.
Variant type: single nucleotide variant.
Coding change: c.4998C>A on transcript NM_000081.4 (MANE Select); coding-DNA position 4998, C replaced by A.
Protein change: p.Asp1666Glu; replaces aspartic acid 1666 with glutamic acid.
Molecular consequence: missense variant.
Genome position (GRCh38, 1-based): chr1:235,781,952, G>T on the plus strand (C>A on the coding strand, the complement: LYST is on the minus strand). VCF-style: chr1-235781952-G-T. GRCh37 (hg19) VCF-style: chr1-235945252-G-T.
Other names: p.Asp1666Glu; c.4998C>A, p.Asp1666Glu (NM_001301365.1); c.4998C>A (NM_000081.2); short protein forms D1666E.
Identifiers: ClinVar variation 1693783 (VCV001693783.9), dbSNP rs377563551, ClinGen allele CA1466719.